The following is an entry in ClinVar:

ClinVar aggregate classification (germline): Benign. Review status: criteria provided, multiple submitters, no conflicts (2 of 4 stars). 2 submissions from 2 submitters: Benign (2). Last evaluated 2018-01-12.

Conditions:
MAPT-Related Spectrum Disorders.

Allele frequency attached by ClinVar (database versions not stated): gnomAD 0.14182 and 0.14468; TOPMed 0.14814; 1000 Genomes Project 30x 0.08542; 1000 Genomes Project 0.08626; gnomAD exomes 0.12423.
gnomAD v4.1: 21,872 of 152,856 alleles (14%); highest among the groups gnomAD compares: Non-Finnish European, 22%; 2,138 homozygotes.

Submissions (2):

Illumina Laboratory Services, Illumina
Classification: Benign for MAPT-Related Spectrum Disorders. Last evaluated: 2018-01-12. Review status: criteria provided, single submitter. Criteria: ICSL Variant Classification Criteria 13 December 2019. Collection method: clinical testing. Allele origin: germline.
Comment: This variant was observed in the ICSL laboratory as part of a predisposition screen in an ostensibly healthy population. It had not been previously curated by ICSL or reported in the Human Gene Mutation Database (HGMD: prior to June 1st, 2018), and was therefore a candidate for classification through an automated scoring system. Utilizing variant allele frequency, disease prevalence and penetrance estimates, and inheritance mode, an automated score was calculated to assess if this variant is too frequent to cause the disease. Based on the score and internal cut-off values, a variant classified as benign is not then subjected to further curation. The score for this variant resulted in a classification of benign for this disease.

Breakthrough Genomics
Classification: Benign. Review status: criteria provided, single submitter. Criteria: ACMG Guidelines, 2015. Collection method: not provided. Allele origin: germline. Inheritance: Autosomal recessive inheritance. Affected: yes.

NM_001377265.1(MAPT):c.*1067T>C

Gene: MAPT (microtubule associated protein tau). Cytogenetic location: 17q21.31.
Variant type: single nucleotide variant.
Coding change: c.*1067T>C on transcript NM_001377265.1 (MANE Select); 1067 bases downstream of the stop codon, T replaced by C.
Molecular consequence: 3 prime UTR variant. On other transcripts: non-coding transcript variant (1).
Genome position (GRCh38, 1-based): chr17:46,025,238, T>C. VCF-style: chr17-46025238-T-C. GRCh37 (hg19) VCF-style: chr17-44102604-T-C.
Other names: c.*1067T>C (NM_001123066.4, NM_001123067.4, NM_001203251.2 and 7 more transcripts); c.*50T>C (NM_001377267.1).
Identifiers: ClinVar variation 323668 (VCV000323668.7), dbSNP rs1052587, ClinGen allele CA10645902.